The following is an entry in ClinVar:

ClinVar aggregate classification (germline): Uncertain significance (1 of 4 stars; one submission).

Conditions:
Kugelberg-Welander disease (SMA3). Also called: SPINAL MUSCULAR ATROPHY, TYPE III; Juvenile Spinal Muscular Atrophy; SMA III; SPINAL MUSCULAR ATROPHY, MILD CHILDHOOD AND ADOLESCENT FORM; KUGELBERG-WELANDER SYNDROME; MUSCULAR ATROPHY, JUVENILE. Identifiers: Orphanet 70, Orphanet 83419, MedGen C0152109, MONDO:0009672, OMIM 253400.

Submission:

DNA-diagnostics Laboratory, Research Centre For Medical Genetics
Classification: Uncertain significance for Kugelberg-Welander disease. Last evaluated: 2024-06-04. Review status: criteria provided, single submitter. Criteria: ACMG Guidelines, 2015. Collection method: clinical testing. Allele origin: paternal. Inheritance: Autosomal recessive inheritance. Affected: yes.
Comment: The c.835-18_835-15delCCTT variant in the SMN1 gene fulfils the ACMG criteria: PM2, BP7, PM3

NM_000344.4(SMN1):c.835-18_835-15del

Gene: SMN1 (survival of motor neuron 1, telomeric). Cytogenetic location: 5q13.2.
Variant type: Deletion.
Coding change: c.835-18_835-15del on transcript NM_000344.4 (MANE Select); 18 bases into the intron before coding-DNA position 835 through 15 bases into the intron before coding-DNA position 835, this stretch deleted.
Molecular consequence: intron variant.
Genome position: GRCh38 VCF-style: chr5-70951919-ACTTC-A. GRCh37 (hg19) VCF-style: chr5-70247746-ACTTC-A.
Other names: c.835-18_835-15delCCTT (NM_000344.4); c.835-516_835-513del (NM_001297715.1); c.739-18_739-15del (NM_022874.2).
Identifiers: ClinVar variation 3239717 (VCV003239717.1), dbSNP rs2532151451.
Genomic context (GRCh38, chr5:70,951,919, plus strand): 5'-TAACATCCATATAAAGCTATCTATATATAGCTATCTATGTCTATATAGCTATTTTTTTTA[ACTTC>A]CTTTATTTTCCTTACAGGGTTTCAGACAAAATCAAAAAGAAGGAAGGTGCTCACATTCCT-3'